The following is an entry in ClinVar:

ClinVar aggregate classification (germline): Uncertain significance (1 of 4 stars; one submission).

Conditions:
CEP290-related disorder. Also called: CEP290-related disorders; CEP290-related condition. Identifiers: MedGen CN239314.

Allele frequency attached by ClinVar (database versions not stated): gnomAD exomes below 0.00001.
gnomAD v4.1: 1 of 1,609,894 alleles (0.000062%); highest among the groups gnomAD compares: Non-Finnish European, 0.000085%; no homozygotes.

Submission:

PreventionGenetics, part of Exact Sciences
Classification: Uncertain significance for CEP290-related condition. Last evaluated: 2022-11-07. Review status: criteria provided, single submitter. Criteria: ACMG Guidelines, 2015. Collection method: clinical testing. Allele origin: germline.
Comment: The CEP290 c.7361T>C variant is predicted to result in the amino acid substitution p.Val2454Ala. To our knowledge, this variant has not been reported in the literature or in a large population database, indicating this variant is rare. At this time, the clinical significance of this variant is uncertain due to the absence of conclusive functional and genetic evidence.

NM_025114.4(CEP290):c.7361T>C (p.Val2454Ala)

Genes: CEP290 (centrosomal protein 290; minus strand), RLIG1 (RNA 5'-phosphate and 3'-OH ligase 1; plus strand). Cytogenetic location: 12q21.32.
Variant type: single nucleotide variant.
Coding change: c.7361T>C on transcript NM_025114.4 (MANE Select); coding-DNA position 7361, T replaced by C.
Protein change: p.Val2454Ala; replaces valine 2454 with alanine.
Molecular consequence: missense variant. On other transcripts: 3 prime UTR variant (1).
Genome position (GRCh38, 1-based): chr12:88,049,263, A>G on the plus strand (T>C on the coding strand, the complement: CEP290 is on the minus strand). VCF-style: chr12-88049263-A-G. GRCh37 (hg19) VCF-style: chr12-88443040-A-G.
Other names: c.*841A>G (NM_001009894.3); short protein forms V2454A.
Identifiers: ClinVar variation 2628978 (VCV002628978.1), dbSNP rs1432849005, ClinGen allele CA385972309.